The following is an entry in ClinVar:

ClinVar aggregate classification (germline): Uncertain significance (1 of 4 stars; one submission).

Conditions:
AFF3-related disorder. Also called: AFF3-related condition.

Submission:

PreventionGenetics, part of Exact Sciences
Classification: Uncertain significance for AFF3-related condition. Last evaluated: 2025-12-04. Review status: criteria provided, single submitter. Criteria: ACMG Guidelines, 2015. Collection method: clinical testing. Allele origin: germline.
Comment: The AFF3 c.2028_2030delCTC variant is predicted to result in an in-frame deletion (p.Ser677del). To our knowledge, this variant has not been reported in the literature or in a large population database (gnomAD), indicating this variant is rare. At this time, the clinical significance of this variant is uncertain due to the absence of conclusive functional and genetic evidence.

NM_001386135.1(AFF3):c.2022CTC[2] (p.Ser677del)

Gene: AFF3 (ALF transcription elongation factor 3; minus strand). Cytogenetic location: 2q11.2.
Variant type: Microsatellite.
Coding change: c.2022CTC[2] on transcript NM_001386135.1 (MANE Select); two copies in a row of the 3-base unit CTC starting at c.2022; the reference has three copies in a row; one copy, 3 bases deleted.
Protein change: p.Ser677del; deletes serine 677.
Molecular consequence: inframe deletion.
Genome position (GRCh38, 1-based): chr2:99,593,631-99,593,633, GAG deleted on the plus strand (CTC on the coding strand, the reverse complement: AFF3 is on the minus strand); deleting any 3 consecutive bases within chr2:99,593,631-99,593,641 gives the same sequence; the position shown is the placement nearest the transcript's 3' end. VCF-style (leftmost placement, unchanged base first): chr2-99593630-CGAG-C. GRCh37 (hg19) VCF-style: chr2-100210092-CGAG-C.
Other names: c.2097CTC[2], p.Ser702del (NM_001025108.2); c.2022CTC[2], p.Ser677del (NM_002285.3); short protein forms S702del, S677del.
Identifiers: ClinVar variation 4979102 (VCV004979102.1).
Genomic context (GRCh38, chr2:99,593,630, plus strand): 5'-AGCCACGGTCTGTGCTTTGGACAGAGGGTACTCCTCCTGCTCGGACTCCAGGTCGGAGTC[CGAG>C]GAGGAGGATGAAGATGACGACTCTGTCTCAATGAACTCCTTGGATTTGGGGACGATCCTG-3'